The following is an entry in ClinVar:

NM_001165963.4(SCN1A):c.1117T>G (p.Leu373Val)

Gene: SCN1A (sodium voltage-gated channel alpha subunit 1; minus strand). Cytogenetic location: 2q24.3.
Variant type: single nucleotide variant.
Coding change: c.1117T>G on transcript NM_001165963.4 (MANE Select); coding-DNA position 1117, T replaced by G.
Protein change: p.Leu373Val; replaces leucine 373 with valine.
Molecular consequence: missense variant. On other transcripts: 5 prime UTR variant (1), non-coding transcript variant (1).
Genome position (GRCh38, 1-based): chr2:166,047,680, A>C on the plus strand (T>G on the coding strand, the complement: SCN1A is on the minus strand). VCF-style: chr2-166047680-A-C. GRCh37 (hg19) VCF-style: chr2-166904190-A-C.
Other names: c.1117T>G, p.Leu373Val (NM_001165964.3, NM_001202435.3, NM_001353948.2 and 10 more transcripts); c.-1309T>G (NM_001353961.2); short protein forms L373V.
Identifiers: ClinVar variation 1040632 (VCV001040632.11), dbSNP rs1698008539, ClinGen allele CA349071181.

ClinVar aggregate classification (germline): Uncertain significance (1 of 4 stars; one submission).

Conditions:
Early-infantile DEE. Also called: Ohtahara syndrome; Early infantile epileptic encephalopathy with suppression bursts; Early infantile epileptic encephalopathy. Identifiers: Orphanet 1934, MedGen C0393706, MONDO:0800491.

Submission:

Labcorp Genetics (formerly Invitae), Labcorp
Classification: Uncertain significance for Early-infantile DEE. Last evaluated: 2025-09-08. Review status: criteria provided, single submitter. Criteria: Invitae Variant Classification Sherloc (09022015). Collection method: clinical testing. Allele origin: germline.
Comment: This sequence change replaces leucine, which is neutral and non-polar, with valine, which is neutral and non-polar, at codon 373 of the SCN1A protein (p.Leu373Val). This variant is not present in population databases (gnomAD no frequency). This variant has not been reported in the literature in individuals affected with SCN1A-related conditions. ClinVar contains an entry for this variant (Variation ID: 1040632). Invitae Evidence Modeling of protein sequence and biophysical properties (such as structural, functional, and spatial information, amino acid conservation, physicochemical variation, residue mobility, and thermodynamic stability) indicates that this missense variant is expected to disrupt SCN1A protein function with a positive predictive value of 95%. In summary, the available evidence is currently insufficient to determine the role of this variant in disease. Therefore, it has been classified as a Variant of Uncertain Significance.